The following is an entry in ClinVar:

NM_001999.4(FBN2):c.809G>T (p.Arg270Leu)

Gene: FBN2 (fibrillin 2; minus strand). Cytogenetic location: 5q23.3.
Variant type: single nucleotide variant.
Coding change: c.809G>T on transcript NM_001999.4 (MANE Select); coding-DNA position 809, G replaced by T.
Protein change: p.Arg270Leu; replaces arginine 270 with leucine.
Molecular consequence: missense variant.
Genome position (GRCh38, 1-based): chr5:128,464,741, C>A on the plus strand (G>T on the coding strand, the complement: FBN2 is on the minus strand). VCF-style: chr5-128464741-C-A. GRCh37 (hg19) VCF-style: chr5-127800434-C-A.
Other names: c.809G>T (NM_001999.3); short protein forms R270L.
Identifiers: ClinVar variation 1435127 (VCV001435127.10), dbSNP rs148971572, ClinGen allele CA3396001.

ClinVar aggregate classification (germline): Conflicting classifications of pathogenicity. Review status: criteria provided, conflicting classifications (1 of 4 stars). 3 submissions from 3 submitters: Uncertain significance (1); Benign (1). 1 of the submissions does not count toward it. Last evaluated 2025-06-30.

Conditions:
FBN2-related disorder. Also called: FBN2-related condition.
Familial thoracic aortic aneurysm and aortic dissection (TAAD). Also called: Thoracic aortic aneurysms and dissections. Identifiers: Orphanet 91387, MedGen C4707243, MONDO:0019625.
Congenital contractural arachnodactyly (CCA). Also called: BEALS SYNDROME; Arthrogryposis, distal, type 9; Beals-Hecht syndrome. Identifiers: Orphanet 115, MedGen C0220668, MONDO:0007363, OMIM 121050.

gnomAD v4.1: 22 of 1,613,486 alleles (0.0014%); highest among the groups gnomAD compares: East Asian, 0.011%; no homozygotes.

Submissions (3):

Labcorp Genetics (formerly Invitae), Labcorp
Classification: Benign for Congenital contractural arachnodactyly. Last evaluated: 2025-06-30. Review status: criteria provided, single submitter. Criteria: Invitae Variant Classification Sherloc (09022015). Collection method: clinical testing. Allele origin: germline.

Ambry Genetics
Classification: Uncertain significance for Familial thoracic aortic aneurysm and aortic dissection. Last evaluated: 2025-06-04. Review status: criteria provided, single submitter. Criteria: Ambry Variant Classification Scheme 2023. Collection method: clinical testing. Allele origin: germline.
Comment: The p.R270L variant (also known as c.809G>T), located in coding exon 6 of the FBN2 gene, results from a G to T substitution at nucleotide position 809. The arginine at codon 270 is replaced by leucine, an amino acid with dissimilar properties. This variant has been reported in a thoracic aortic aneurysm and dissection (TAAD) cohort and a scoliosis cohort (Chen ZR et al. J Thorac Dis, 2021 Jul;13:4008-4022; Lin MR et al. J Pers Med, 2022 Dec;13:).This amino acid position is highly conserved in available vertebrate species. In addition, this alteration is predicted to be deleterious by in silico analysis. Based on the available evidence, the clinical significance of this variant remains unclear.

PreventionGenetics, part of Exact Sciences
Classification: Uncertain significance for FBN2-related condition. Last evaluated: 2024-05-17. Review status: no assertion criteria provided. Collection method: clinical testing. Allele origin: germline. Not counted in ClinVar's aggregate classification.
Comment: The FBN2 c.809G>T variant is predicted to result in the amino acid substitution p.Arg270Leu. This variant was reported in an individual with aortic dissection (Stanford type A); however, this individual also carried a rare TGFB3 missense variant (patient A246, Chen et al. 2021. PubMed ID: 34422331). This variant was also documented in an idiopathic scoliosis cohort (Lin et al. 2022. PubMed ID: 36675693). This variant is reported in 0.010% of alleles in individuals of East Asian descent in gnomAD and is interpreted as benign in ClinVar. Although we suspect that this variant may be benign, at this time, the clinical significance of this variant is uncertain due to the absence of conclusive functional and genetic evidence.

Literature cited by the submitters: PubMed 34422331 (cited by Ambry Genetics); PubMed 36675693 (cited by Ambry Genetics).